The following is an entry in ClinVar:

NM_000165.5(GJA1):c.113G>A (p.Gly38Glu)

Gene: GJA1 (gap junction protein alpha 1; plus strand). Cytogenetic location: 6q22.31.
Variant type: single nucleotide variant.
Coding change: c.113G>A on transcript NM_000165.5 (MANE Select); coding-DNA position 113, G replaced by A.
Protein change: p.Gly38Glu; replaces glycine 38 with glutamic acid.
Molecular consequence: missense variant.
Genome position (GRCh38, 1-based): chr6:121,446,960, G>A. VCF-style: chr6-121446960-G-A. GRCh37 (hg19) VCF-style: chr6-121768106-G-A.
Other names: c.113G>A (NM_000165.3); short protein forms G38E.
Identifiers: ClinVar variation 2169516 (VCV002169516.5), dbSNP rs1554200990, ClinGen allele CA365557939.
Genomic context (GRCh38, chr6:121,446,960, plus strand): 5'-CAACTGCTGGAGGGAAGGTGTGGCTGTCAGTACTTTTCATTTTCCGAATCCTGCTGCTGG[G>A]GACAGCGGTTGAGTCAGCCTGGGGAGATGAGCAGTCTGCCTTTCGTTGTAACACTCAGCA-3'
Protein context (NP_000156.1, residues 28-48): VLFIFRILLL[Gly38Glu]TAVESAWGDE

ClinVar aggregate classification (germline): Pathogenic/Likely pathogenic. Review status: criteria provided, multiple submitters, no conflicts (2 of 4 stars). 2 submissions from 2 submitters: Pathogenic (1); Likely pathogenic (1). Last evaluated 2023-08-04.

Conditions:
Oculodentodigital dysplasia, autosomal recessive. Also called: OCULODENTOOSSEOUS DYSPLASIA, AUTOSOMAL RECESSIVE; ODDD, AUTOSOMAL RECESSIVE; ODOD, AUTOSOMAL RECESSIVE. Identifiers: Orphanet 2710, MedGen C2749477, MONDO:0009768, OMIM 257850.

Submissions (2):

Labcorp Genetics (formerly Invitae), Labcorp
Classification: Pathogenic for Oculodentodigital dysplasia, autosomal recessive. Last evaluated: 2023-08-04. Review status: criteria provided, single submitter. Criteria: Invitae Variant Classification Sherloc (09022015). Collection method: clinical testing. Allele origin: germline.
Comment: This variant is not present in population databases (gnomAD no frequency). For these reasons, this variant has been classified as Pathogenic. Advanced modeling of protein sequence and biophysical properties (such as structural, functional, and spatial information, amino acid conservation, physicochemical variation, residue mobility, and thermodynamic stability) performed at Invitae indicates that this missense variant is expected to disrupt GJA1 protein function. ClinVar contains an entry for this variant (Variation ID: 2169516). This missense change has been observed in individuals with autosomal dominant GJA1-related conditions (PMID: 30811667, 32449269). It has also been observed to segregate with disease in related individuals. This sequence change replaces glycine, which is neutral and non-polar, with glutamic acid, which is acidic and polar, at codon 38 of the GJA1 protein (p.Gly38Glu).

GeneDx
Classification: Likely pathogenic. Last evaluated: 2023-03-29. Review status: criteria provided, single submitter. Criteria: GeneDx Variant Classification Process June 2021. Collection method: clinical testing. Allele origin: germline. Affected: yes.
Comment: Published functional studies demonstrate a damaging effect (increased hemichannel activity and gap junction channels with altered voltage gating) (Crouthamel et al., 2023); In silico analysis supports that this missense variant has a deleterious effect on protein structure/function; Not observed at significant frequency in large population cohorts (gnomAD); This variant is associated with the following publications: (PMID: 30811667, 31817921, 32449269, 36768546)

Literature cited by the submitters: PubMed 30811667 (cited by Labcorp Genetics (formerly Invitae), Labcorp); PubMed 32449269 (cited by Labcorp Genetics (formerly Invitae), Labcorp).